The following is an entry in ClinVar:

NM_000718.4(CACNA1B):c.2851_2875del (p.Lys951fs)

Gene: CACNA1B (calcium voltage-gated channel subunit alpha1 B; plus strand). Cytogenetic location: 9q34.3.
Variant type: Deletion.
Coding change: c.2851_2875del on transcript NM_000718.4 (MANE Select); coding-DNA positions 2851 to 2875, 25 bases deleted (AAGGGCGAGCGGCGCGCGCGGCACC).
Protein change: p.Lys951fs; shifts the reading frame from lysine 951.
Molecular consequence: frameshift variant.
Genome position (GRCh38, 1-based): chr9:138,023,594-138,023,618, AAGGGCGAGCGGCGCGCGCGGCACC deleted; deleting any 25 consecutive bases within chr9:138,023,592-138,023,618 gives the same sequence; the c. name uses the placement nearest the transcript's 3' end. VCF-style (leftmost placement, unchanged base first): chr9-138023591-GCCAAGGGCGAGCGGCGCGCGCGGCA-G. GRCh37 (hg19) VCF-style: chr9-140918043-GCCAAGGGCGAGCGGCGCGCGCGGCA-G.
Other names: c.2851_2875del, p.Lys951fs (NM_001243812.2); short protein forms K951fs.
Identifiers: ClinVar variation 2131750 (VCV002131750.4), dbSNP rs2539375126, ClinGen allele CA2580081119.

ClinVar aggregate classification (germline): Pathogenic (1 of 4 stars; one submission).

Submission:

Labcorp Genetics (formerly Invitae), Labcorp
Classification: Pathogenic. Last evaluated: 2024-04-02. Review status: criteria provided, single submitter. Criteria: Invitae Variant Classification Sherloc (09022015). Collection method: clinical testing. Allele origin: germline.
Comment: This sequence change creates a premature translational stop signal (p.Lys951Alafs*50) in the CACNA1B gene. It is expected to result in an absent or disrupted protein product. Loss-of-function variants in CACNA1B are known to be pathogenic (PMID: 30982612). This variant is not present in population databases (gnomAD no frequency). This variant has not been reported in the literature in individuals affected with CACNA1B-related conditions. ClinVar contains an entry for this variant (Variation ID: 2131750). For these reasons, this variant has been classified as Pathogenic.

Literature cited by the submitters: PubMed 30982612.